The following is an entry in ClinVar:

NM_152641.4(ARID2):c.2867_2870del (p.Ala956fs)

Gene: ARID2 (AT-rich interaction domain 2; plus strand). Cytogenetic location: 12q12.
Variant type: Deletion.
Coding change: c.2867_2870del on transcript NM_152641.4 (MANE Select); coding-DNA positions 2867 to 2870, 4 bases deleted (CTGG; older notation c.2867_2870delCTGG).
Protein change: p.Ala956fs; shifts the reading frame from alanine 956.
Molecular consequence: frameshift variant.
Genome position (GRCh38, 1-based): chr12:45,850,990-45,850,993, CTGG deleted; deleting any 4 consecutive bases within chr12:45,850,989-45,850,993 gives the same sequence; the c. name uses the placement nearest the transcript's 3' end. VCF-style (leftmost placement, unchanged base first): chr12-45850988-AGCTG-A. GRCh37 (hg19) VCF-style: chr12-46244771-AGCTG-A.
Other names: c.2867_2870del, p.Ala956fs (NM_001347839.2); short protein forms A956fs.
Identifiers: ClinVar variation 4880746 (VCV004880746.2).
Genomic context (GRCh38, chr12:45,850,988, plus strand): 5'-AGGTCAAACTTATGCACCAGCCATTCACCAAATTGTTCTTGCTAATCCAGCAGCTCTTCC[AGCTG>A]GTCAGACAGTTCAGCTAACTGGACAACCTAACATAACTCCATCTTCTTCACCATCACCTG-3'

ClinVar aggregate classification (germline): Likely pathogenic (1 of 4 stars; one submission).

Conditions:
Coffin-Siris syndrome 6. Identifiers: MedGen C4540499, MONDO:0033492, OMIM 617808.

Submission:

Dasa
Classification: Likely pathogenic for Coffin-Siris syndrome 6. Last evaluated: 2025-06-05. Review status: criteria provided, single submitter. Criteria: DASA Assertion Criteria. Collection method: clinical testing. Allele origin: germline.
Comment: NM_152641.4(ARID2):c.2867_2870del (p.Ala956Valfs*6) is a frameshift variant in ARID2 predicted to alter the reading frame and introduce a premature termination codon and is predicted to result in an absent or altered protein product. Loss of function is an established disease mechanism for ARID2 (PMID: 29698805; PMID: 26238514; PMID: 28124119). Also, this variant is absent from population databases. Based on the currently available evidence, this variant is classified as likely pathogenic.

Literature cited by the submitters: PubMed 29698805; PubMed 26238514; PubMed 28124119.